The following is an entry in ClinVar:

ClinVar aggregate classification (germline): Pathogenic/Likely pathogenic. Review status: criteria provided, multiple submitters, no conflicts (2 of 4 stars). 2 submissions from 2 submitters: Pathogenic (1); Likely pathogenic (1). Last evaluated 2025-10-15.

Conditions:
Pheochromocytoma/paraganglioma syndrome 4. Also called: SDHB-Related Hereditary Paraganglioma-Pheochromocytoma Syndrome (Paragangliomas 4); PARAGANGLIOMA, FAMILIAL MALIGNANT; PARAGANGLIOMAS, HEREDITARY EXTRAADRENAL; PHEOCHROMOCYTOMA, FAMILIAL EXTRAADRENAL; Paragangliomas 4; CAROTID BODY TUMORS AND MULTIPLE EXTRAADRENAL PHEOCHROMOCYTOMAS. Identifiers: Orphanet 29072, MedGen C1861848, MONDO:0007273, OMIM 115310.
Gastrointestinal stromal tumor. Also called: Gastrointestinal stroma tumor; Gastrointestinal stromal tumor, somatic. Identifiers: Orphanet 44890, MedGen C0238198, MeSH D046152, MONDO:0011719, OMIM 606764, HP:0100723.
Pheochromocytoma. Also called: MAX-Related Hereditary Paraganglioma-Pheochromocytoma Syndrome. Identifiers: Orphanet 29072, MedGen C0031511, MONDO:0008233, OMIM 171300, HP:0002666.
Hereditary pheochromocytoma and paraganglioma. Also called: Hereditary paragangliomas and pheochromocytomas; Hereditary Paraganglioma-Pheochromocytoma Syndromes; Hereditary pheochromocytoma-paraganglioma. Identifiers: Orphanet 29072, MedGen C4274332, MONDO:0017366.

Submissions (2):

Labcorp Genetics (formerly Invitae), Labcorp
Classification: Pathogenic for Gastrointestinal stromal tumor; Pheochromocytoma/paraganglioma syndrome 4; Pheochromocytoma. Last evaluated: 2025-10-15. Review status: criteria provided, single submitter. Criteria: Invitae Variant Classification Sherloc (09022015). Collection method: clinical testing. Allele origin: germline.
Comment: This sequence change creates a premature translational stop signal (p.Gln149Leufs*11) in the SDHB gene. It is expected to result in an absent or disrupted protein product. Loss-of-function variants in SDHB are known to be pathogenic (PMID: 19454582, 19802898). This variant is not present in population databases (gnomAD no frequency). This variant has not been reported in the literature in individuals affected with SDHB-related conditions. ClinVar contains an entry for this variant (Variation ID: 504902). For these reasons, this variant has been classified as Pathogenic.

Laboratory for Molecular Medicine, Mass General Brigham Personalized Medicine
Classification: Likely pathogenic for Hereditary pheochromocytoma and paraganglioma. Last evaluated: 2016-06-07. Review status: criteria provided, single submitter. Criteria: LMM Criteria. Collection method: clinical testing. Allele origin: germline. Inheritance: Autosomal dominant inheritance. Observed: 1 variant allele.
Comment: The p.Gln149fs variant in SDHB has not been reported in individuals with SDHB-as sociated tumors, and was absent from large population studies, though the abilit y of these studies to accurately detect indels may be limited. This variant is p redicted to cause a frameshift, which alters the protein's amino acid sequence b eginning at position 149 and leads to a premature termination codon 11 amino aci ds downstream. This alteration is then predicted to lead to a truncated or absen t protein. Heterozygous loss of function of the SDHB gene is an established dise ase mechanism in individuals with hereditary paragangliomas and pheochromocytoma s. In summary, although additional studies are required to fully establish its c linical significance, the p.Gln149fs variant is likely pathogenic.

Literature cited by the submitters: PubMed 19454582 (cited by Labcorp Genetics (formerly Invitae), Labcorp); PubMed 19802898 (cited by Labcorp Genetics (formerly Invitae), Labcorp).

NM_003000.3(SDHB):c.445_446insTATGG (p.Gln149fs)

Gene: SDHB (succinate dehydrogenase complex iron sulfur subunit B; minus strand). Cytogenetic location: 1p36.13.
Variant type: Insertion.
Coding change: c.445_446insTATGG on transcript NM_003000.3 (MANE Select); coding-DNA positions 445 to 446, TATGG inserted.
Protein change: p.Gln149fs; shifts the reading frame from glutamine 149.
Molecular consequence: frameshift variant.
Genome position: GRCh38 VCF-style: chr1-17027843-T-TCCATA. GRCh37 (hg19) VCF-style: chr1-17354338-T-TCCATA.
Other names: short protein forms Q149fs.
Identifiers: ClinVar variation 504902 (VCV000504902.10), dbSNP rs1553177688, ClinGen allele CA658795406.
Genomic context (GRCh38, chr1:17,027,843, plus strand): 5'-TGCTGCTTGCCTTCCTGAGATTCATCCTTCTTCTTCAAATAAGGCTCAATGGATTTGTAC[T>TCCATA]GTGCATAGAAGTTGCTCAAATCCTGTGGTTAAGAGGAAGAAGAAGAAGAAGAAGAAGAAA-3'